The following is an entry in ClinVar:

NM_000257.4(MYH7):c.2675A>G (p.Gln892Arg)

Genes: MYH7 (myosin heavy chain 7; minus strand), LOC126861898 (BRD4-independent group 4 enhancer GRCh37_chr14:23893609-23894808; plus strand). Cytogenetic location: 14q11.2.
Variant type: single nucleotide variant.
Coding change: c.2675A>G on transcript NM_000257.4 (MANE Select); coding-DNA position 2675, A replaced by G.
Protein change: p.Gln892Arg; replaces glutamine 892 with arginine.
Molecular consequence: missense variant.
Genome position (GRCh38, 1-based): chr14:23,424,773, T>C on the plus strand (A>G on the coding strand, the complement: MYH7 is on the minus strand). VCF-style: chr14-23424773-T-C. GRCh37 (hg19) VCF-style: chr14-23893982-T-C.
Other names: c.2675A>G, p.Gln892Arg (NM_001407004.1); short protein forms Q892R.
Identifiers: ClinVar variation 3627239 (VCV003627239.2).

ClinVar aggregate classification (germline): Uncertain significance (1 of 4 stars; one submission).

Conditions:
Hypertrophic cardiomyopathy. Also called: HYPERTROPHIC MYOCARDIOPATHY. Identifiers: Orphanet 217569, MedGen C0007194, MeSH D002312, MONDO:0005045, HP:0001639.

Submission:

Labcorp Genetics (formerly Invitae), Labcorp
Classification: Uncertain significance for Hypertrophic cardiomyopathy. Last evaluated: 2025-09-25. Review status: criteria provided, single submitter. Criteria: Invitae Variant Classification Sherloc (09022015). Collection method: clinical testing. Allele origin: germline.
Comment: This sequence change replaces glutamine, which is neutral and polar, with arginine, which is basic and polar, at codon 892 of the MYH7 protein (p.Gln892Arg). This variant is not present in population databases (gnomAD no frequency). This variant has not been reported in the literature in individuals affected with MYH7-related conditions. ClinVar contains an entry for this variant (Variation ID: 3627239). Invitae Evidence Modeling of protein sequence and biophysical properties (such as structural, functional, and spatial information, amino acid conservation, physicochemical variation, residue mobility, and thermodynamic stability) indicates that this missense variant is expected to disrupt MYH7 protein function with a positive predictive value of 95%. In summary, the available evidence is currently insufficient to determine the role of this variant in disease. Therefore, it has been classified as a Variant of Uncertain Significance.